The following is an entry in ClinVar:

ClinVar aggregate classification (germline): Likely benign. Review status: criteria provided, multiple submitters, no conflicts (2 of 4 stars). 6 submissions from 6 submitters: Likely benign (6). Last evaluated 2026-01-26.

Conditions:
Cardiovascular phenotype. Identifiers: MedGen CN230736.
Cardiomyopathy (CMYO). Also called: Cardiomyopathies. Identifiers: Orphanet 167848, MedGen C0878544, MONDO:0004994, HP:0001638. Inheritance: Various modes of inheritance.
Arrhythmogenic right ventricular cardiomyopathy (ARVD). Also called: Cardiomyopathy, ARVC; Arrhythmogenic right ventricular dysplasia; Arrhythmogenic cardiomyopathy; Arrhythmogenic Right Ventricular Cardiomyopathy (ARVC). Identifiers: Orphanet 247, MedGen C0349788, MeSH D019571, MONDO:0016587. Disease mechanism: loss of function. Inheritance: Various modes of inheritance.
Arrhythmogenic right ventricular dysplasia 9 (ARVD9). Also called: Arrhythmogenic Right Ventricular Dysplasia/Cardiomyopathy 9; ARRHYTHMOGENIC RIGHT VENTRICULAR DYSPLASIA, FAMILIAL, 9. Identifiers: MedGen C1836906, MONDO:0012180, OMIM 609040.

Allele frequency attached by ClinVar (database versions not stated): ExAC 0.00004; gnomAD exomes 0.00002; TOPMed 0.00002.
gnomAD v4.1: 26 of 1,614,154 alleles (0.0016%); highest among the groups gnomAD compares: Middle Eastern, 0.049%; 1 homozygote.

Submissions (6):

Labcorp Genetics (formerly Invitae), Labcorp
Classification: Likely benign for Arrhythmogenic right ventricular dysplasia 9. Last evaluated: 2026-01-26. Review status: criteria provided, single submitter. Criteria: Invitae Variant Classification Sherloc (09022015). Collection method: clinical testing. Allele origin: germline.

Ambry Genetics
Classification: Likely benign for Cardiovascular phenotype. Last evaluated: 2025-12-30. Review status: criteria provided, single submitter. Criteria: Ambry Variant Classification Scheme 2023. Collection method: clinical testing. Allele origin: germline.

All of Us Research Program, National Institutes of Health
Classification: Likely benign for Arrhythmogenic right ventricular cardiomyopathy. Last evaluated: 2023-06-28. Review status: criteria provided, single submitter. Criteria: ACMG Guidelines, 2015. Collection method: clinical testing. Allele origin: germline. Inheritance: Autosomal dominant inheritance. Observed: 1 variant allele, 1 heterozygote.
Comment: This study involves interpretation of variants in research participants for the purpose of population health screening. Participant phenotype was not available at the time of variant classification. Additional details can be found in publication PMID: 35346344, PMCID: PMC8962531

Color Diagnostics, LLC DBA Color Health
Classification: Likely benign for Cardiomyopathy. Last evaluated: 2021-01-20. Review status: criteria provided, single submitter. Criteria: ACMG Guidelines, 2015. Collection method: clinical testing. Allele origin: germline.

GeneDx
Classification: Likely benign. Last evaluated: 2017-01-06. Review status: criteria provided, single submitter. Criteria: GeneDx Variant Classification (06012015). Collection method: clinical testing. Allele origin: germline. Affected: yes.
Comment: This variant is considered likely benign or benign based on one or more of the following criteria: it is a conservative change, it occurs at a poorly conserved position in the protein, it is predicted to be benign by multiple in silico algorithms, and/or has population frequency not consistent with disease.

Laboratory for Molecular Medicine, Mass General Brigham Personalized Medicine
Classification: Likely benign. Last evaluated: 2015-04-28. Review status: criteria provided, single submitter. Criteria: LMM Criteria. Collection method: clinical testing. Allele origin: germline. Observed: 1 variant allele.
Comment: p.Ala326Ala in exon 3 of PKP2: This variant is not expected to have clinical sig nificance because it does not alter an amino acid residue and is not located wit hin the splice consensus sequence. It has been identified in 3/66160 European ch romosomes and 2/16420 South Asian chromosomes by the Exome Aggregation Consortiu m (ExAC).

NM_001005242.3(PKP2):c.978A>G (p.Ala326=)

Gene: PKP2 (plakophilin 2; minus strand). Cytogenetic location: 12p11.21.
Variant type: single nucleotide variant.
Coding change: c.978A>G on transcript NM_001005242.3 (MANE Select); coding-DNA position 978, A replaced by G.
Protein change: p.Ala326=; no amino-acid change (alanine 326 retained).
Molecular consequence: synonymous variant.
Genome position (GRCh38, 1-based): chr12:32,877,902, T>C on the plus strand (A>G on the coding strand, the complement: PKP2 is on the minus strand). VCF-style: chr12-32877902-T-C. GRCh37 (hg19) VCF-style: chr12-33030836-T-C.
Other names: c.978A>G, p.Ala326= (NM_004572.4).
Identifiers: ClinVar variation 227852 (VCV000227852.16), dbSNP rs775137004, ClinGen allele CA039804.